The following is an entry in ClinVar:

NM_004304.5(ALK):c.712C>T (p.Pro238Ser)

Gene: ALK (ALK receptor tyrosine kinase; minus strand). Cytogenetic location: 2p23.2.
Variant type: single nucleotide variant.
Coding change: c.712C>T on transcript NM_004304.5 (MANE Select); coding-DNA position 712, C replaced by T.
Protein change: p.Pro238Ser; replaces proline 238 with serine.
Molecular consequence: missense variant.
Genome position (GRCh38, 1-based): chr2:29,717,653, G>A on the plus strand (C>T on the coding strand, the complement: ALK is on the minus strand). VCF-style: chr2-29717653-G-A. GRCh37 (hg19) VCF-style: chr2-29940519-G-A.
Other names: short protein forms P238S.
Identifiers: ClinVar variation 2895537 (VCV002895537.3), dbSNP rs1679301698, ClinGen allele CA346587769.

ClinVar aggregate classification (germline): Uncertain significance (1 of 4 stars; one submission).

Conditions:
Neuroblastoma, susceptibility to, 3. Also called: ALK-Related Neuroblastic Tumor Susceptibility. Identifiers: Orphanet 635, MedGen C2751681, MONDO:0013083, OMIM 613014.

Submission:

Labcorp Genetics (formerly Invitae), Labcorp
Classification: Uncertain significance for Neuroblastoma, susceptibility to, 3. Last evaluated: 2024-04-23. Review status: criteria provided, single submitter. Criteria: Invitae Variant Classification Sherloc (09022015). Collection method: clinical testing. Allele origin: germline.
Comment: This sequence change replaces proline, which is neutral and non-polar, with serine, which is neutral and polar, at codon 238 of the ALK protein (p.Pro238Ser). This variant is not present in population databases (gnomAD no frequency). This variant has not been reported in the literature in individuals affected with ALK-related conditions. Algorithms developed to predict the effect of missense changes on protein structure and function output the following: SIFT: "Not Available"; PolyPhen-2: "Benign"; Align-GVGD: "Not Available". The serine amino acid residue is found in multiple mammalian species, which suggests that this missense change does not adversely affect protein function. In summary, the available evidence is currently insufficient to determine the role of this variant in disease. Therefore, it has been classified as a Variant of Uncertain Significance.